The following is an entry in ClinVar:

NM_000642.3(AGL):c.3007_3008del (p.Ile1003fs)

Gene: AGL (amylo-alpha-1,6-glucosidase and 4-alpha-glucanotransferase; plus strand). Cytogenetic location: 1p21.2.
Variant type: Deletion.
Coding change: c.3007_3008del on transcript NM_000642.3 (MANE Select); coding-DNA positions 3007 to 3008, 2 bases deleted (AT; older notation c.3007_3008delAT).
Protein change: p.Ile1003fs; shifts the reading frame from isoleucine 1003.
Molecular consequence: frameshift variant.
Genome position (GRCh38, 1-based): chr1:99,891,663-99,891,664, AT deleted; deleting any 2 consecutive bases within chr1:99,891,662-99,891,664 gives the same sequence; the c. name uses the placement nearest the transcript's 3' end. VCF-style (leftmost placement, unchanged base first): chr1-99891661-TTA-T. GRCh37 (hg19) VCF-style: chr1-100357217-TTA-T.
Other names: c.3007_3008del, p.Ile1003fs (NM_000028.3, NM_000643.3, NM_000644.3 and 1 more transcripts); c.2959_2960del, p.Ile987fs (NM_000646.3); c.2986_2987del, p.Ile996fs (NM_001425326.1); c.2806_2807del, p.Ile936fs (NM_001425327.1); c.2803_2804del, p.Ile935fs (NM_001425328.1); c.2668_2669del, p.Ile890fs (NM_001425329.1); c.2629_2630del, p.Ile877fs (NM_001425332.1); short protein forms I1003fs, I877fs, I890fs, I935fs, I936fs, I987fs, I996fs.
Identifiers: ClinVar variation 5012785 (VCV005012785.1).

ClinVar aggregate classification (germline): Pathogenic (1 of 4 stars; one submission).

Conditions:
Glycogen storage disease type III (GSD3). Also called: FORBES DISEASE; Cori disease. Identifiers: Orphanet 366, MedGen C0017922, MONDO:0009291, OMIM 232400.

Submission:

Myriad Genetics, Inc.
Classification: Pathogenic for Glycogen storage disease type III. Last evaluated: 2024-02-29. Review status: criteria provided, single submitter. Criteria: Myriad Autosomal Dominant, Autosomal Recessive and X-Linked Classification Criteria (2023). Collection method: clinical testing. Allele origin: unknown.
Comment: NM_000642.2(AGL):c.3007_3008delAT(I1003Pfs*5) is expected to be pathogenic in the context of glycogen storage disease type III. This variant is predicted to lead to an abnormal or absent protein product due to the creation of a premature termination codon in AGL, a gene where loss-of-function variants are known to be pathogenic. Please note: this variant was assessed in the context of healthy population screening.